The following is an entry in ClinVar:

NM_002332.3(LRP1):c.10450G>A (p.Asp3484Asn)

Gene: LRP1 (LDL receptor related protein 1; plus strand). Cytogenetic location: 12q13.3.
Variant type: single nucleotide variant.
Coding change: c.10450G>A on transcript NM_002332.3 (MANE Select); coding-DNA position 10450, G replaced by A.
Protein change: p.Asp3484Asn; replaces aspartic acid 3484 with asparagine.
Molecular consequence: missense variant.
Genome position (GRCh38, 1-based): chr12:57,201,601, G>A. VCF-style: chr12-57201601-G-A. GRCh37 (hg19) VCF-style: chr12-57595384-G-A.
Other names: short protein forms D3484N.
Identifiers: ClinVar variation 4976662 (VCV004976662.1).

ClinVar aggregate classification (germline): Uncertain significance (1 of 4 stars; one submission).

Submission:

GeneDx
Classification: Uncertain significance. Last evaluated: 2023-10-16. Review status: criteria provided, single submitter. Criteria: GeneDx Variant Classification Process June 2021. Collection method: clinical testing. Allele origin: germline.
Comment: Not observed at significant frequency in large population cohorts (gnomAD); In silico analysis supports that this missense variant has a deleterious effect on protein structure/function; Has not been previously published as pathogenic or benign to our knowledge; Variants in candidate genes are classified as variants of uncertain significance in accordance with ACMG guidelines (Richards et al., 2015)